The following is an entry in ClinVar:

ClinVar aggregate classification (germline): Uncertain significance. Review status: criteria provided, multiple submitters, no conflicts (2 of 4 stars). 3 submissions from 3 submitters: Uncertain significance (3). Last evaluated 2022-08-21.

Conditions:
Pontocerebellar hypoplasia type 6 (PCH6). Identifiers: Orphanet 166073, MedGen C1969084, MONDO:0012683, OMIM 611523.

Allele frequency attached by ClinVar (database versions not stated): gnomAD exomes below 0.00001; gnomAD 0.00001; TOPMed 0.00001; ExAC 0.00002; ESP Exome Variant Server 0.00008.
gnomAD v4.1: 8 of 1,614,036 alleles (0.0005%); highest among the groups gnomAD compares: Non-Finnish European, 0.00068%; no homozygotes.

Submissions (3):

Labcorp Genetics (formerly Invitae), Labcorp
Classification: Uncertain significance. Last evaluated: 2022-08-21. Review status: criteria provided, single submitter. Criteria: Invitae Variant Classification Sherloc (09022015). Collection method: clinical testing. Allele origin: germline.
Comment: This sequence change replaces isoleucine, which is neutral and non-polar, with threonine, which is neutral and polar, at codon 9 of the RARS2 protein (p.Ile9Thr). This variant is present in population databases (rs371367255, gnomAD 0.002%). This variant has not been reported in the literature in individuals affected with RARS2-related conditions. ClinVar contains an entry for this variant (Variation ID: 358240). Algorithms developed to predict the effect of missense changes on protein structure and function are either unavailable or do not agree on the potential impact of this missense change (SIFT: "Deleterious"; PolyPhen-2: "Benign"; Align-GVGD: "Class C0"). In summary, the available evidence is currently insufficient to determine the role of this variant in disease. Therefore, it has been classified as a Variant of Uncertain Significance.

Fulgent Genetics
Classification: Uncertain significance for Pontocerebellar hypoplasia type 6. Last evaluated: 2021-08-23. Review status: criteria provided, single submitter. Criteria: ACMG Guidelines, 2015. Collection method: clinical testing. Allele origin: unknown.

Illumina Laboratory Services, Illumina
Classification: Uncertain significance for Pontocerebellar hypoplasia type 6. Last evaluated: 2018-01-13. Review status: criteria provided, single submitter. Criteria: ICSL Variant Classification Criteria 13 December 2019. Collection method: clinical testing. Allele origin: germline.

NM_020320.5(RARS2):c.26T>C (p.Ile9Thr)

Gene: RARS2 (arginyl-tRNA synthetase 2, mitochondrial; minus strand). Cytogenetic location: 6q15.
Variant type: single nucleotide variant.
Coding change: c.26T>C on transcript NM_020320.5 (MANE Select); coding-DNA position 26, T replaced by C.
Protein change: p.Ile9Thr; replaces isoleucine 9 with threonine.
Molecular consequence: missense variant. On other transcripts: 5 prime UTR variant (7), non-coding transcript variant (23).
Genome position (GRCh38, 1-based): chr6:87,589,932, A>G on the plus strand (T>C on the coding strand, the complement: RARS2 is on the minus strand). VCF-style: chr6-87589932-A-G. GRCh37 (hg19) VCF-style: chr6-88299650-A-G.
Other names: c.-665T>C (NM_001318785.2); c.26T>C, p.Ile9Thr (NM_001350505.2); c.-721T>C (NM_001350506.2, NM_001350510.2); c.-844T>C (NM_001350507.2); c.-883T>C (NM_001350508.2); c.-591T>C (NM_001350509.2); c.-840T>C (NM_001350511.2); short protein forms I9T.
Identifiers: ClinVar variation 358240 (VCV000358240.7), dbSNP rs371367255, ClinGen allele CA3916841.